The following is an entry in ClinVar:

ClinVar aggregate classification (germline): Pathogenic. Review status: criteria provided, multiple submitters, no conflicts (2 of 4 stars). 8 submissions from 8 submitters: Pathogenic (6). 2 of the submissions do not count toward it. Last evaluated 2025-06-02.

Conditions:
Hereditary cancer-predisposing syndrome. Also called: Tumor predisposition; Hereditary Cancer Syndrome; Neoplastic Syndromes, Hereditary; Hereditary neoplastic syndrome. Identifiers: Orphanet 140162, MedGen C0027672, MeSH D009386, MONDO:0015356.
Familial cancer of breast. Also called: Hereditary breast cancer; BREAST CANCER, FAMILIAL; hereditary breast carcinoma. Identifiers: Orphanet 227535, MedGen C0346153, MONDO:0016419, OMIM 114480. Disease mechanism: loss of function.
Ataxia-telangiectasia syndrome (AT). Also called: Cerebello-oculocutaneous telangiectasia; Immunodeficiency with ataxia telangiectasia; Ataxia telangiectasia (A-T); LOUIS-BAR SYNDROME; ATAXIA-TELANGIECTASIA, COMPLEMENTATION GROUP A; ATAXIA-TELANGIECTASIA, FRESNO VARIANT. Identifiers: Orphanet 100, MedGen C0004135, MONDO:0008840, OMIM 208900.

Submissions (8):

Ambry Genetics
Classification: Pathogenic for Hereditary cancer-predisposing syndrome. Last evaluated: 2025-06-02. Review status: criteria provided, single submitter. Criteria: Ambry Variant Classification Scheme 2023. Collection method: clinical testing. Allele origin: germline.
Comment: The c.2113delT pathogenic mutation, located in coding exon 12 of the ATM gene, results from a deletion of one nucleotide at nucleotide position 2113, causing a translational frameshift with a predicted alternate stop codon (p.Y705Tfs*30). This alteration has been reported in a compound heterozygous state with other ATM alterations in Italian patients with classic ataxia-telangiectasia (A-T) (Gilad S et al. Hum. Mol. Genet. 1996 Apr;5:433-9; Chessa L et al. Orphanet J Rare Dis 2014 Jan;9:5; Broccoletti T et al. Eur. J. Neurol. 2011 Apr;18:564-70; Cavalieri S et al. Ann. Hum. Genet. 2008 Jan;72:10-8; Porcedda P et al. Cytometry A 2008 Jun;73:508-16). This variant is considered to be rare based on population cohorts in the Genome Aggregation Database (gnomAD). In addition to the clinical data presented in the literature, this alteration is expected to result in loss of function by premature protein truncation or nonsense-mediated mRNA decay. As such, this alteration is interpreted as a disease-causing mutation.

Myriad Genetics, Inc.
Classification: Pathogenic for Familial cancer of breast. Last evaluated: 2024-01-17. Review status: criteria provided, single submitter. Criteria: Myriad Autosomal Dominant, Autosomal Recessive and X-Linked Classification Criteria (2023). Collection method: clinical testing. Allele origin: unknown.
Comment: This variant is considered pathogenic. This variant creates a frameshift predicted to result in premature protein truncation.

Labcorp Genetics (formerly Invitae), Labcorp
Classification: Pathogenic for Ataxia-telangiectasia syndrome. Last evaluated: 2023-09-26. Review status: criteria provided, single submitter. Criteria: Invitae Variant Classification Sherloc (09022015). Collection method: clinical testing. Allele origin: germline.
Comment: For these reasons, this variant has been classified as Pathogenic. ClinVar contains an entry for this variant (Variation ID: 216850). This premature translational stop signal has been observed in individual(s) with ataxia-telangiectasia (PMID: 8845835, 24405665). This variant is not present in population databases (gnomAD no frequency). This sequence change creates a premature translational stop signal (p.Tyr705Thrfs*30) in the ATM gene. It is expected to result in an absent or disrupted protein product. Loss-of-function variants in ATM are known to be pathogenic (PMID: 23807571, 25614872).

Baylor Genetics
Classification: Pathogenic for Familial cancer of breast. Last evaluated: 2023-05-24. Review status: criteria provided, single submitter. Criteria: ACMG Guidelines, 2015. Collection method: clinical testing. Allele origin: unknown.

Color Diagnostics, LLC DBA Color Health
Classification: Pathogenic for Hereditary cancer-predisposing syndrome. Last evaluated: 2021-06-08. Review status: criteria provided, single submitter. Criteria: ACMG Guidelines, 2015. Collection method: clinical testing. Allele origin: germline.
Comment: This variant deletes 1 nucleotide in exon 13 of the ATM gene, creating a frameshift and premature translation stop signal. This variant is expected to result in an absent or non-functional protein product. This variant has been reported in individuals affected with ataxia telangiectasia in compound heterozygous state (PMID: 8845835, 17910737, 20840352, 24405665). This variant has not been identified in the general population by the Genome Aggregation Database (gnomAD). Loss of ATM function is a known mechanism of disease. Based on the available evidence, this variant is classified as Pathogenic.

Women's Health and Genetics/Laboratory Corporation of America, LabCorp
Classification: Pathogenic for Ataxia-telangiectasia syndrome. Last evaluated: 2020-11-09. Review status: criteria provided, single submitter. Criteria: LabCorp Variant Classification Summary - May 2015. Collection method: clinical testing. Allele origin: germline.
Comment: Variant summary: ATM c.2113delT (p.Tyr705ThrfsX30) results in a premature termination codon, predicted to cause a truncation of the encoded protein or absence of the protein due to nonsense mediated decay, which are commonly known mechanisms for disease. Truncations downstream of this position have been classified as pathogenic by our laboratory. The variant was absent in 250742 control chromosomes. c.2113delT has been reported in the literature in individuals affected with Ataxia-Telangiectasia and has been subsequently cited by others (example, Gilad_1996a, Concannon_1997, Cavalieri_2008, Chessa_2009, Broccoletti_2011, Prodosmo_2013). To our knowledge, no experimental evidence demonstrating an impact on protein function has been reported. Three clinical diagnostic laboratories have submitted clinical-significance assessments for this variant to ClinVar after 2014 without evidence for independent evaluation. All laboratories classified the variant as pathogenic citing overlapping evidence utilized in the context of this evaluation. Based on the evidence outlined above, the variant was classified as pathogenic.

Natera, Inc.
Classification: Pathogenic for Ataxia-telangiectasia. Last evaluated: 2020-09-16. Review status: no assertion criteria provided. Collection method: clinical testing. Allele origin: germline. Not counted in ClinVar's aggregate classification.

Counsyl
Classification: Pathogenic for Ataxia-telangiectasia syndrome. Last evaluated: 2016-06-03. Review status: no assertion criteria provided. Collection method: clinical testing. Allele origin: unknown. Not counted in ClinVar's aggregate classification.

Literature cited by the submitters: PubMed 17910737 (cited by 3 submitters); PubMed 18431795 (cited by Ambry Genetics); PubMed 20840352 (cited by 3 submitters); PubMed 24405665 (cited by Ambry Genetics and Labcorp Genetics (formerly Invitae), Labcorp); PubMed 8845835 (cited by 4 submitters); PubMed 23807571 (cited by Labcorp Genetics (formerly Invitae), Labcorp); PubMed 25614872 (cited by Labcorp Genetics (formerly Invitae), Labcorp); PubMed 23454770 (cited by Women's Health and Genetics/Laboratory Corporation of America, LabCorp); PubMed 19691550 (cited by Women's Health and Genetics/Laboratory Corporation of America, LabCorp); PubMed 9259193 (cited by Women's Health and Genetics/Laboratory Corporation of America, LabCorp).

NM_000051.4(ATM):c.2113del (p.Tyr705fs)

Gene: ATM (ATM serine/threonine kinase; plus strand). Cytogenetic location: 11q22.3.
Variant type: Deletion.
Coding change: c.2113del on transcript NM_000051.4 (MANE Select); coding-DNA position 2113, one base deleted (T; older notation c.2113delT).
Protein change: p.Tyr705fs; shifts the reading frame from tyrosine 705.
Molecular consequence: frameshift variant.
Genome position (GRCh38, 1-based): chr11:108,254,028, T deleted; the last of 2 consecutive T bases (chr11:108,254,027-108,254,028); deleting either gives the same sequence. VCF-style (leftmost placement, unchanged base first): chr11-108254026-AT-A. GRCh37 (hg19) VCF-style: chr11-108124753-AT-A.
Other names: c.2113delT (NM_000051.3); c.2113del, p.Tyr705fs (NM_001351834.2); short protein forms Y705fs.
Identifiers: ClinVar variation 216850 (VCV000216850.22), dbSNP rs863224822, ClinGen allele CA338409.